The following is an entry in ClinVar:

NM_014889.4(PITRM1):c.2414G>A (p.Arg805Gln)

Genes: PITRM1 (pitrilysin metallopeptidase 1; minus strand), PITRM1-AS1 (PITRM1 antisense RNA 1; plus strand). Cytogenetic location: 10p15.2.
Variant type: single nucleotide variant.
Coding change: c.2414G>A on transcript NM_014889.4 (MANE Select); coding-DNA position 2414, G replaced by A.
Protein change: p.Arg805Gln; replaces arginine 805 with glutamine.
Molecular consequence: missense variant. On other transcripts: non-coding transcript variant (5).
Genome position (GRCh38, 1-based): chr10:3,145,639, C>T on the plus strand (G>A on the coding strand, the complement: PITRM1 is on the minus strand). VCF-style: chr10-3145639-C-T. GRCh37 (hg19) VCF-style: chr10-3187831-C-T.
Other names: c.2120G>A, p.Arg707Gln (NM_001242309.1); c.2417G>A, p.Arg806Gln (NM_001242307.2); c.2216G>A, p.Arg739Gln (NM_001347725.2); c.1601G>A, p.Arg534Gln (NM_001347726.2); c.1799G>A, p.Arg600Gln (NM_001347727.2); c.1109G>A, p.Arg370Gln (NM_001347728.2); c.2390G>A, p.Arg797Gln (NM_001347729.1); c.2192G>A, p.Arg731Gln (NM_001347730.1); and 1 more; short protein forms R731Q, R797Q, R370Q, R534Q, R707Q, R739Q, R805Q, R600Q.
Identifiers: ClinVar variation 768344 (VCV000768344.13), dbSNP rs34837384, ClinGen allele CA5387416.
Genomic context (GRCh38, chr10:3,145,639, plus strand): 5'-GCACCACCAGTGCATACCTCGACCGTGTGTGGGCGCACAGGCCTCCGTTCCTTTTTACTC[C>T]GACCGATGCTTCTAAGGAAGTCTTCGACCGCTTTTTCTGTCTGAGGCATCTGCTGAGGAG-3'
Protein context (NP_055704.2, residues 795-815): AVEDFLRSIG[Arg805Gln]SKKERRPVRP

ClinVar aggregate classification (germline): Benign. Review status: criteria provided, single submitter (1 of 4 stars). 2 submissions from 2 submitters: Benign (1). 1 of the submissions does not count toward it. Last evaluated 2026-01-25.

Conditions:
PITRM1-related disorder. Also called: PITRM1-related condition.

Allele frequency attached by ClinVar (database versions not stated): TOPMed 0.01358; gnomAD exomes 0.00118 and 0.00244; ExAC 0.00457; 1000 Genomes Project 0.00899; 1000 Genomes Project 30x 0.00906; gnomAD 0.01206 and 0.01311; ESP Exome Variant Server 0.01245.
gnomAD v4.1: 3,534 of 1,550,176 alleles (0.23%); highest among the groups gnomAD compares: African/African-American, 4.4%; 80 homozygotes.

Submissions (7):

Labcorp Genetics (formerly Invitae), Labcorp
Classification: Benign. Last evaluated: 2026-01-25. Review status: criteria provided, single submitter. Criteria: Invitae Variant Classification Sherloc (09022015). Collection method: clinical testing. Allele origin: germline.

PreventionGenetics, part of Exact Sciences
Classification: Benign for PITRM1-related condition. Last evaluated: 2019-11-11. Review status: no assertion criteria provided. Collection method: clinical testing. Allele origin: germline. Not counted in ClinVar's aggregate classification.
Comment: This variant is classified as benign based on ACMG/AMP sequence variant interpretation guidelines (Richards et al. 2015 PMID: 25741868, with internal and published modifications).

Dr. Peter K. Rogan Lab, Western University
No classification provided (evidence only). Condition: Acute myeloid leukemia. Review status: no classification provided. Collection method: in vitro. Allele origin: not applicable. Functional consequence: retained intron. Not counted in ClinVar's aggregate classification.

Dr. Peter K. Rogan Lab, Western University
No classification provided (evidence only). Condition: Acute myeloid leukemia. Review status: no classification provided. Collection method: in vitro. Allele origin: not applicable. Functional consequence: retained intron. Not counted in ClinVar's aggregate classification.

Dr. Peter K. Rogan Lab, Western University
No classification provided (evidence only). Condition: Colon adenocarcinoma. Review status: no classification provided. Collection method: in vitro. Allele origin: not applicable. Functional consequence: retained intron. Not counted in ClinVar's aggregate classification.

Dr. Peter K. Rogan Lab, Western University
No classification provided (evidence only). Condition: Cervical cancer. Review status: no classification provided. Collection method: in vitro. Allele origin: not applicable. Functional consequence: retained intron. Not counted in ClinVar's aggregate classification.

Dr. Peter K. Rogan Lab, Western University
No classification provided (evidence only). Condition: Sarcoma. Review status: no classification provided. Collection method: in vitro. Allele origin: not applicable. Functional consequence: retained intron. Not counted in ClinVar's aggregate classification.